The following is an entry in ClinVar:

NM_024496.4(IRF2BPL):c.584del (p.Gly195fs)

Gene: IRF2BPL (interferon regulatory factor 2 binding protein like; minus strand). Cytogenetic location: 14q24.3.
Variant type: Deletion.
Coding change: c.584del on transcript NM_024496.4 (MANE Select); coding-DNA position 584, one base deleted (G; older notation c.584delG).
Protein change: p.Gly195fs; shifts the reading frame from glycine 195.
Molecular consequence: frameshift variant.
Genome position (GRCh38, 1-based): chr14:77,027,209, C deleted on the plus strand (G on the coding strand, the reverse complement: IRF2BPL is on the minus strand); the first of 6 consecutive C bases (chr14:77,027,209-77,027,214); deleting any one gives the same sequence. VCF-style (leftmost placement, unchanged base first): chr14-77027208-GC-G. GRCh37 (hg19) VCF-style: chr14-77493551-GC-G.
Other names: short protein forms G195fs.
Identifiers: ClinVar variation 2503321 (VCV002503321.4), dbSNP rs1566786525, ClinGen allele CA487508216.

ClinVar aggregate classification (germline): Likely pathogenic. Review status: criteria provided, multiple submitters, no conflicts (2 of 4 stars). 2 submissions from 2 submitters: Likely pathogenic (2). Last evaluated 2026-04-01.

Submissions (2):

CeGaT Center for Human Genetics Tuebingen
Classification: Likely pathogenic. Last evaluated: 2026-04-01. Review status: criteria provided, single submitter. Criteria: CeGaT Center For Human Genetics Tuebingen Variant Classification Criteria Version 2. Collection method: clinical testing. Allele origin: germline. Affected: yes. Observed: 1 variant allele.
Comment: IRF2BPL: PVS1:Strong, PM2, PS4:Moderate

GeneDx
Classification: Likely pathogenic. Last evaluated: 2023-08-14. Review status: criteria provided, single submitter. Criteria: GeneDx Variant Classification Process June 2021. Collection method: clinical testing. Allele origin: germline.
Comment: Frameshift variant predicted to result in protein truncation, as the last 602 amino acids are replaced with 16 different amino acids, and other loss-of-function variants have been reported downstream in HGMD; Not observed at significant frequency in large population cohorts (gnomAD); This variant is associated with the following publications: (PMID: 34418069, 34864472)